The following is an entry in ClinVar:

NM_001401501.2(MUC16):c.9081T>C (p.Tyr3027=)

Gene: MUC16 (mucin 16, cell surface associated; minus strand). Cytogenetic location: 19p13.2.
Variant type: single nucleotide variant.
Coding change: c.9081T>C on transcript NM_001401501.2 (MANE Select); coding-DNA position 9081, T replaced by C.
Protein change: p.Tyr3027=; no amino-acid change (tyrosine 3027 retained).
Molecular consequence: synonymous variant.
Genome position (GRCh38, 1-based): chr19:8,972,178, A>G on the plus strand (T>C on the coding strand, the complement: MUC16 is on the minus strand). VCF-style: chr19-8972178-A-G. GRCh37 (hg19) VCF-style: chr19-9082854-A-G.
Other names: c.9507T>C, p.Tyr3169= (NM_001414686.1); c.8961T>C, p.Tyr2987= (NM_001414687.1, NM_024690.2).
Identifiers: ClinVar variation 3043496 (VCV003043496.2), dbSNP rs371179374, ClinGen allele CA9171864.

ClinVar aggregate classification (germline): Likely benign (0 of 4 stars; one submission).

Conditions:
MUC16-related disorder. Also called: MUC16-related condition.

Allele frequency attached by ClinVar (database versions not stated): ExAC 0.00003; gnomAD exomes 0.00004; ESP Exome Variant Server 0.00008; 1000 Genomes Project 30x 0.00016; 1000 Genomes Project 0.00020.

Submission:

PreventionGenetics, part of Exact Sciences
Classification: Likely benign for MUC16-related condition. Last evaluated: 2019-06-24. Review status: no assertion criteria provided. Collection method: clinical testing. Allele origin: germline.
Comment: This variant is classified as likely benign based on ACMG/AMP sequence variant interpretation guidelines (Richards et al. 2015 PMID: 25741868, with internal and published modifications).